The following is an entry in ClinVar:

NM_014236.4(GNPAT):c.1211C>T (p.Ala404Val)

Gene: GNPAT (glyceronephosphate O-acyltransferase; plus strand). Cytogenetic location: 1q42.2.
Variant type: single nucleotide variant.
Coding change: c.1211C>T on transcript NM_014236.4 (MANE Select); coding-DNA position 1211, C replaced by T.
Protein change: p.Ala404Val; replaces alanine 404 with valine.
Molecular consequence: missense variant.
Genome position (GRCh38, 1-based): chr1:231,267,835, C>T. VCF-style: chr1-231267835-C-T. GRCh37 (hg19) VCF-style: chr1-231403581-C-T.
Other names: c.1028C>T, p.Ala343Val (NM_001316350.2); short protein forms A404V, A343V.
Identifiers: ClinVar variation 2152843 (VCV002152843.1), dbSNP rs145192270, ClinGen allele CA1451982.

ClinVar aggregate classification (germline): Uncertain significance (1 of 4 stars; one submission).

Allele frequency attached by ClinVar (database versions not stated): gnomAD exomes 0.00001; ExAC 0.00002; TOPMed 0.00006; ESP Exome Variant Server 0.00008; gnomAD 0.00009; 1000 Genomes Project 30x 0.00016; 1000 Genomes Project 0.00020.
gnomAD v4.1: 27 of 1,613,958 alleles (0.0017%); highest among the groups gnomAD compares: African/African-American, 0.031%; no homozygotes.

Submission:

Labcorp Genetics (formerly Invitae), Labcorp
Classification: Uncertain significance. Last evaluated: 2022-04-04. Review status: criteria provided, single submitter. Criteria: Invitae Variant Classification Sherloc (09022015). Collection method: clinical testing. Allele origin: germline.
Comment: This sequence change replaces alanine, which is neutral and non-polar, with valine, which is neutral and non-polar, at codon 404 of the GNPAT protein (p.Ala404Val). This variant is present in population databases (rs145192270, gnomAD 0.01%). This variant has not been reported in the literature in individuals affected with GNPAT-related conditions. Algorithms developed to predict the effect of missense changes on protein structure and function output the following: SIFT: "Tolerated"; PolyPhen-2: "Benign"; Align-GVGD: "Class C0". The valine amino acid residue is found in multiple mammalian species, which suggests that this missense change does not adversely affect protein function. In summary, the available evidence is currently insufficient to determine the role of this variant in disease. Therefore, it has been classified as a Variant of Uncertain Significance.